The following is an entry in ClinVar:

ClinVar aggregate classification (germline): Uncertain significance. Review status: criteria provided, multiple submitters, no conflicts (2 of 4 stars). 2 submissions from 2 submitters: Uncertain significance (2). Last evaluated 2025-08-28.

Conditions:
Emery-Dreifuss muscular dystrophy 5, autosomal dominant (EDMD5). Also called: EMERY-DREIFUSS MUSCULAR DYSTROPHY 5. Identifiers: Orphanet 261, MedGen C2751805, MONDO:0013072, OMIM 612999.

gnomAD v4.1: 1 of 1,614,098 alleles (0.000062%); highest among the groups gnomAD compares: Non-Finnish European, 0.000085%; no homozygotes.

Submissions (2):

Ambry Genetics
Classification: Uncertain significance. Last evaluated: 2025-08-28. Review status: criteria provided, single submitter. Criteria: Ambry Variant Classification Scheme 2023. Collection method: clinical testing. Allele origin: germline.

Labcorp Genetics (formerly Invitae), Labcorp
Classification: Uncertain significance for Emery-Dreifuss muscular dystrophy 5, autosomal dominant. Last evaluated: 2025-01-27. Review status: criteria provided, single submitter. Criteria: Invitae Variant Classification Sherloc (09022015). Collection method: clinical testing. Allele origin: germline.
Comment: This sequence change replaces proline, which is neutral and non-polar, with leucine, which is neutral and non-polar, at codon 3749 of the SYNE2 protein (p.Pro3749Leu). This variant is not present in population databases (gnomAD no frequency). This variant has not been reported in the literature in individuals affected with SYNE2-related conditions. An algorithm developed to predict the effect of missense changes on protein structure and function (PolyPhen-2) suggests that this variant is likely to be disruptive. In summary, the available evidence is currently insufficient to determine the role of this variant in disease. Therefore, it has been classified as a Variant of Uncertain Significance.

NM_182914.3(SYNE2):c.11246C>T (p.Pro3749Leu)

Gene: SYNE2 (spectrin repeat containing nuclear envelope protein 2; plus strand). Cytogenetic location: 14q23.2.
Variant type: single nucleotide variant.
Coding change: c.11246C>T on transcript NM_182914.3 (MANE Select); coding-DNA position 11246, C replaced by T.
Protein change: p.Pro3749Leu; replaces proline 3749 with leucine.
Molecular consequence: missense variant.
Genome position (GRCh38, 1-based): chr14:64,080,538, C>T. VCF-style: chr14-64080538-C-T. GRCh37 (hg19) VCF-style: chr14-64547256-C-T.
Other names: c.11246C>T (NM_182914.2); c.11246C>T, p.Pro3749Leu (NM_015180.6); short protein forms P3749L.
Identifiers: ClinVar variation 3700438 (VCV003700438.3).